The following is an entry in ClinVar:

ClinVar aggregate classification (germline): Uncertain significance (1 of 4 stars; one submission).

Conditions:
Familial adenomatous polyposis 1 (FAP1). Also called: POLYPOSIS, ADENOMATOUS INTESTINAL; FAMILIAL ADENOMATOUS POLYPOSIS 1, ATTENUATED. Identifiers: MedGen C2713442, MONDO:0021056, OMIM 175100. Disease mechanism: loss of function.

Submission:

Labcorp Genetics (formerly Invitae), Labcorp
Classification: Uncertain significance for Familial adenomatous polyposis 1. Last evaluated: 2023-10-16. Review status: criteria provided, single submitter. Criteria: Invitae Variant Classification Sherloc (09022015). Collection method: clinical testing. Allele origin: germline.
Comment: This sequence change replaces serine, which is neutral and polar, with arginine, which is basic and polar, at codon 2763 of the APC protein (p.Ser2763Arg). This variant is not present in population databases (gnomAD no frequency). This variant has not been reported in the literature in individuals affected with APC-related conditions. Advanced modeling of protein sequence and biophysical properties (such as structural, functional, and spatial information, amino acid conservation, physicochemical variation, residue mobility, and thermodynamic stability) performed at Invitae indicates that this missense variant is not expected to disrupt APC protein function. In summary, the available evidence is currently insufficient to determine the role of this variant in disease. Therefore, it has been classified as a Variant of Uncertain Significance.

NM_000038.6(APC):c.8287A>C (p.Ser2763Arg)

Gene: APC (APC regulator of Wnt signaling pathway; plus strand). Cytogenetic location: 5q22.2.
Variant type: single nucleotide variant.
Coding change: c.8287A>C on transcript NM_000038.6 (MANE Select); coding-DNA position 8287, A replaced by C.
Protein change: p.Ser2763Arg; replaces serine 2763 with arginine.
Molecular consequence: missense variant. On other transcripts: non-coding transcript variant (2).
Genome position (GRCh38, 1-based): chr5:112,843,881, A>C. VCF-style: chr5-112843881-A-C. GRCh37 (hg19) VCF-style: chr5-112179578-A-C.
Other names: c.8287A>C, p.Ser2763Arg (NM_001127510.3, NM_001354895.2, NM_001407450.1); c.8233A>C, p.Ser2745Arg (NM_001127511.3); c.8341A>C, p.Ser2781Arg (NM_001354896.2, NM_001407447.1, NM_001407448.1 and 1 more transcripts); c.8317A>C, p.Ser2773Arg (NM_001354897.2); c.8212A>C, p.Ser2738Arg (NM_001354898.2); c.8203A>C, p.Ser2735Arg (NM_001354899.2); c.8164A>C, p.Ser2722Arg (NM_001354900.2); c.8110A>C, p.Ser2704Arg (NM_001354901.2, NM_001407453.1); and 11 more; short protein forms S2480R, S2704R, S2722R, S2745R, S2753R, S2756R, S2603R, S2672R.
Identifiers: ClinVar variation 2768900 (VCV002768900.3), dbSNP rs2150002602, ClinGen allele CA16039308.